The following is an entry in ClinVar:

ClinVar aggregate classification (germline): Uncertain significance (1 of 4 stars; one submission).

Conditions:
Marden-Walker syndrome (MWKS). Also called: Connective tissue disorder Marden Walker type. Identifiers: Orphanet 2461, MedGen C0796033, MONDO:0009564, OMIM 248700.

Submission:

3billion
Classification: Uncertain significance for Marden-Walker syndrome. Last evaluated: 2025-06-24. Review status: criteria provided, single submitter. Criteria: ACMG Guidelines, 2015. Collection method: clinical testing. Allele origin: germline. Affected: yes.
Comment: The variant is not observed in the gnomAD v4.1.0 dataset. Predicted Consequence/Location: Missense variant In silico tool predictions suggest damaging effect of the variant on gene or gene product [REVEL: 0.80 (>=0.6, sensitivity 0.68 and specificity 0.92)]. Therefore, this variant is classified as VUS according to the recommendation of ACMG/AMP guideline.

NM_001378183.1(PIEZO2):c.7111G>A (p.Gly2371Arg)

Gene: PIEZO2 (piezo type mechanosensitive ion channel component 2; minus strand). Cytogenetic location: 18p11.22.
Variant type: single nucleotide variant.
Coding change: c.7111G>A on transcript NM_001378183.1 (MANE Select); coding-DNA position 7111, G replaced by A.
Protein change: p.Gly2371Arg; replaces glycine 2371 with arginine.
Molecular consequence: missense variant.
Genome position (GRCh38, 1-based): chr18:10,696,153, C>T on the plus strand (G>A on the coding strand, the complement: PIEZO2 is on the minus strand). VCF-style: chr18-10696153-C-T. GRCh37 (hg19) VCF-style: chr18-10696151-C-T.
Other names: c.6847G>A, p.Gly2283Arg (NM_001410871.1); c.6772G>A, p.Gly2258Arg (NM_022068.4); short protein forms G2258R, G2283R, G2371R.
Identifiers: ClinVar variation 4855314 (VCV004855314.1).